The following is an entry in ClinVar:

ClinVar aggregate classification (germline): Likely pathogenic (1 of 4 stars; one submission).

Conditions:
Arrhythmogenic cardiomyopathy with wooly hair and keratoderma. Also called: Arrhythmogenic cardiomyopathy with woolly hair and keratoderma; Dilated cardiomyopathy with woolly hair and keratoderma; PALMOPLANTAR KERATODERMA WITH LEFT VENTRICULAR CARDIOMYOPATHY AND WOOLLY HAIR; Carvajal syndrome. Identifiers: Orphanet 65282, MedGen C1854063, MONDO:0011581, OMIM 605676.

Submission:

Clinical Genetics Laboratory, Skane University Hospital Lund
Classification: Likely pathogenic for Arrhythmogenic cardiomyopathy with wooly hair and keratoderma. Last evaluated: 2026-01-13. Review status: criteria provided, single submitter. Criteria: ACMG Guidelines, 2015. Collection method: clinical testing. Allele origin: germline. Affected: yes.
Comment: PM2, PM3, PP3, PP4 moderate

NM_004415.4(DSP):c.853T>C (p.Trp285Arg)

Gene: DSP (desmoplakin; plus strand). Cytogenetic location: 6p24.3.
Variant type: single nucleotide variant.
Coding change: c.853T>C on transcript NM_004415.4 (MANE Select); coding-DNA position 853, T replaced by C.
Protein change: p.Trp285Arg; replaces tryptophan 285 with arginine.
Molecular consequence: missense variant.
Genome position (GRCh38, 1-based): chr6:7,565,434, T>C. VCF-style: chr6-7565434-T-C. GRCh37 (hg19) VCF-style: chr6-7565667-T-C.
Other names: c.853T>C, p.Trp285Arg (NM_001008844.3, NM_001319034.2, NM_001406591.1); short protein forms W285R.
Identifiers: ClinVar variation 4685476 (VCV004685476.1).